The following is an entry in ClinVar:

NM_032444.4(SLX4):c.5000A>C (p.His1667Pro)

Gene: SLX4 (SLX4 structure-specific endonuclease subunit; minus strand). Cytogenetic location: 16p13.3.
Variant type: single nucleotide variant.
Coding change: c.5000A>C on transcript NM_032444.4 (MANE Select); coding-DNA position 5000, A replaced by C.
Protein change: p.His1667Pro; replaces histidine 1667 with proline.
Molecular consequence: missense variant.
Genome position (GRCh38, 1-based): chr16:3,583,250, T>G on the plus strand (A>C on the coding strand, the complement: SLX4 is on the minus strand). VCF-style: chr16-3583250-T-G. GRCh37 (hg19) VCF-style: chr16-3633251-T-G.
Other names: short protein forms H1667P.
Identifiers: ClinVar variation 2092442 (VCV002092442.4), dbSNP rs139304111, ClinGen allele CA394514949.

ClinVar aggregate classification (germline): Uncertain significance (1 of 4 stars; one submission).

Conditions:
Fanconi anemia (FA). Also called: Fanconi's anemia. Identifiers: Orphanet 84, MedGen C0015625, MeSH D005199, MONDO:0019391.

gnomAD v4.1: 3 of 1,614,186 alleles (0.00019%); highest among the groups gnomAD compares: Non-Finnish European, 0.00025%; no homozygotes.

Submission:

Labcorp Genetics (formerly Invitae), Labcorp
Classification: Uncertain significance for Fanconi anemia. Last evaluated: 2022-02-03. Review status: criteria provided, single submitter. Criteria: Invitae Variant Classification Sherloc (09022015). Collection method: clinical testing. Allele origin: germline.
Comment: In summary, the available evidence is currently insufficient to determine the role of this variant in disease. Therefore, it has been classified as a Variant of Uncertain Significance. Algorithms developed to predict the effect of missense changes on protein structure and function (SIFT, PolyPhen-2, Align-GVGD) all suggest that this variant is likely to be tolerated. This variant has not been reported in the literature in individuals affected with SLX4-related conditions. This variant is not present in population databases (gnomAD no frequency). This sequence change replaces histidine, which is basic and polar, with proline, which is neutral and non-polar, at codon 1667 of the SLX4 protein (p.His1667Pro).